The following is an entry in ClinVar:

NM_001370658.1(BTD):c.1021T>G (p.Phe341Val)

Gene: BTD (biotinidase; plus strand). Cytogenetic location: 3p25.1.
Variant type: single nucleotide variant.
Coding change: c.1021T>G on transcript NM_001370658.1 (MANE Select); coding-DNA position 1021, T replaced by G.
Protein change: p.Phe341Val; replaces phenylalanine 341 with valine.
Molecular consequence: missense variant. On other transcripts: intron variant (2).
Genome position (GRCh38, 1-based): chr3:15,644,937, T>G. VCF-style: chr3-15644937-T-G. GRCh37 (hg19) VCF-style: chr3-15686444-T-G.
Other names: F361V; c.1021T>G, p.Phe341Val (NM_001323582.2, NM_001407364.1, NM_001407365.1 and 16 more transcripts); c.1015+6T>G (NM_001370752.1); c.399+2880T>G (NM_001370753.1); c.1081T>G, p.Phe361Val (NM_000060.4); short protein forms F341V.
Identifiers: ClinVar variation 975025 (VCV000975025.3), dbSNP rs1204990361, ClinGen allele CA351608028.

ClinVar aggregate classification (germline): Pathogenic. Review status: criteria provided, single submitter (1 of 4 stars). 2 submissions from 2 submitters: Pathogenic (1). 1 of the submissions does not count toward it. Last evaluated 2026-02-25.

Conditions:
Biotinidase deficiency. Also called: BTD deficiency; Late-onset biotin-responsive multiple carboxylase deficiency; Biotin deficiency. Identifiers: Orphanet 79241, MedGen C0220754, MONDO:0009665, OMIM 253260.

Allele frequency attached by ClinVar (database versions not stated): TOPMed 0.00002.

Submissions (2):

Women's Health and Genetics/Laboratory Corporation of America, LabCorp
Classification: Pathogenic for Biotinidase deficiency. Last evaluated: 2026-02-25. Review status: criteria provided, single submitter. Criteria: LabCorp Variant Classification Summary - May 2015. Collection method: clinical testing. Allele origin: germline.
Comment: Variant summary: BTD c.1021T>G (p.Phe341Val) results in a non-conservative amino acid change in the encoded protein sequence. Algorithms developed to predict the effect of missense changes on protein structure and function are either unavailable or do not agree on the potential impact of this missense change. The variant was absent in 251416 control chromosomes. c.1021T>G has been observed in multiple individuals affected with Biotinidase Deficiency (examples: Carvalho_2019). These data indicate that the variant is very likely to be associated with disease. To our knowledge, no experimental evidence demonstrating an impact on protein function has been reported. The following publication has been ascertained in the context of this evaluation (PMID: 30912303). ClinVar contains an entry for this variant (Variation ID: 975025). Based on the evidence outlined above, the variant was classified as pathogenic.

OMIM
Classification: Pathogenic for BIOTINIDASE DEFICIENCY. Last evaluated: 2020-08-06. Review status: no assertion criteria provided. Collection method: literature only. Allele origin: germline. Not counted in ClinVar's aggregate classification.

Literature cited by the submitters: PubMed 30912303 (cited by Women's Health and Genetics/Laboratory Corporation of America, LabCorp and OMIM).